The following is an entry in ClinVar:

ClinVar aggregate classification (germline): Uncertain significance (1 of 4 stars; one submission).

Conditions:
Inborn genetic diseases. Identifiers: MedGen C0950123, MeSH D030342.

Submission:

Ambry Genetics
Classification: Uncertain significance for Inborn genetic diseases. Last evaluated: 2025-11-01. Review status: criteria provided, single submitter. Criteria: Ambry Variant Classification Scheme 2023. Collection method: clinical testing. Allele origin: germline.
Comment: The p.P567L variant (also known as c.1700C>T), located in coding exon 10 of the FANCM gene, results from a C to T substitution at nucleotide position 1700. The proline at codon 567 is replaced by leucine, an amino acid with similar properties. This amino acid position is conserved. In addition, this alteration is predicted to be deleterious by in silico analysis. Based on the available evidence, the clinical significance of this variant remains unclear.

NM_020937.4(FANCM):c.1700C>T (p.Pro567Leu)

Gene: FANCM (FA complementation group M; plus strand). Cytogenetic location: 14q21.2.
Variant type: single nucleotide variant.
Coding change: c.1700C>T on transcript NM_020937.4 (MANE Select); coding-DNA position 1700, C replaced by T.
Protein change: p.Pro567Leu; replaces proline 567 with leucine.
Molecular consequence: missense variant.
Genome position (GRCh38, 1-based): chr14:45,164,477, C>T. VCF-style: chr14-45164477-C-T. GRCh37 (hg19) VCF-style: chr14-45633680-C-T.
Other names: c.1622C>T, p.Pro541Leu (NM_001308133.2); c.1700C>T, p.Pro567Leu (NM_001308134.2); short protein forms P541L, P567L.
Identifiers: ClinVar variation 4619551 (VCV004619551.1).